The following is an entry in ClinVar:

NM_000141.5(FGFR2):c.322A>G (p.Thr108Ala)

Gene: FGFR2 (fibroblast growth factor receptor 2; minus strand). Cytogenetic location: 10q26.13.
Variant type: single nucleotide variant.
Coding change: c.322A>G on transcript NM_000141.5 (MANE Select); coding-DNA position 322, A replaced by G.
Protein change: p.Thr108Ala; replaces threonine 108 with alanine.
Molecular consequence: missense variant. On other transcripts: intron variant (9).
Genome position (GRCh38, 1-based): chr10:121,565,492, T>C on the plus strand (A>G on the coding strand, the complement: FGFR2 is on the minus strand). VCF-style: chr10-121565492-T-C. GRCh37 (hg19) VCF-style: chr10-123325006-T-C.
Other names: c.322A>G, p.Thr108Ala (NM_001144913.1, NM_001144914.1, NM_001144917.2 and 3 more transcripts); c.110-14033A>G (NM_001144918.2, NM_001441091.1, NM_001441090.1 and 1 more transcripts); c.110-913A>G (NM_001441089.1, NM_023029.3, NM_001441088.1 and 2 more transcripts); short protein forms T108A.
Identifiers: ClinVar variation 4763221 (VCV004763221.1).
Genomic context (GRCh38, chr10:121,565,492, plus strand): 5'-ACTCACCTGTGACATTCACCATGAAGTACCAAGTTTCACTGTCTACAGTCCTACTGGCAG[T>C]ACAAGCATAGAGGCCGGAGTCTCTAGGCGTGGCGCCCTTTATCTGCAAGTACTCCCCAAT-3'
Protein context (NP_000132.3, residues 98-118): TPRDSGLYAC[Thr108Ala]ASRTVDSETW

ClinVar aggregate classification (germline): Uncertain significance (1 of 4 stars; one submission).

Conditions:
FGFR2-related craniosynostosis. Identifiers: MedGen CN231480.

gnomAD v4.1: 1 of 1,614,076 alleles (0.000062%); highest among the groups gnomAD compares: Non-Finnish European, 0.000085%; no homozygotes.

Submission:

Labcorp Genetics (formerly Invitae), Labcorp
Classification: Uncertain significance for FGFR2-related craniosynostosis. Last evaluated: 2025-08-03. Review status: criteria provided, single submitter. Criteria: Invitae Variant Classification Sherloc (09022015). Collection method: clinical testing. Allele origin: germline.
Comment: This sequence change replaces threonine, which is neutral and polar, with alanine, which is neutral and non-polar, at codon 108 of the FGFR2 protein (p.Thr108Ala). This variant is not present in population databases (gnomAD no frequency). This variant has not been reported in the literature in individuals affected with FGFR2-related conditions. Invitae Evidence Modeling of protein sequence and biophysical properties (such as structural, functional, and spatial information, amino acid conservation, physicochemical variation, residue mobility, and thermodynamic stability) has been performed for this missense variant. However, the output from this modeling did not meet the statistical confidence thresholds required to predict the impact of this variant on FGFR2 protein function. In summary, the available evidence is currently insufficient to determine the role of this variant in disease. Therefore, it has been classified as a Variant of Uncertain Significance.